The following is an entry in ClinVar:

ClinVar aggregate classification (germline): Pathogenic (1 of 4 stars; one submission).

Conditions:
Cystic fibrosis (CF). Also called: MUCOVISCIDOSIS. Identifiers: Orphanet 586, MedGen C0010674, MONDO:0009061, OMIM 219700. Disease mechanism: loss of function.

Submission:

Women's Health and Genetics/Laboratory Corporation of America, LabCorp
Classification: Pathogenic for Cystic fibrosis. Last evaluated: 2025-03-31. Review status: criteria provided, single submitter. Criteria: LabCorp Variant Classification Summary - May 2015. Collection method: clinical testing. Allele origin: germline.
Comment: Variant summary: CFTR c.2222_2229delATTCTGAG (p.Asp741AlafsX35) results in a premature termination codon, predicted to cause a truncation of the encoded protein or absence of the protein due to nonsense mediated decay, which are commonly known mechanisms for disease. The variant was absent in 251068 control chromosomes. To our knowledge, no occurrence of c.2222_2229delATTCTGAG in individuals affected with Cystic Fibrosis and no experimental evidence demonstrating its impact on protein function have been reported. No submitters have cited clinical-significance assessments for this variant to ClinVar. Based on the evidence outlined above, the variant was classified as pathogenic.

NM_000492.4(CFTR):c.2222_2229del (p.Asp741fs)

Gene: CFTR (CF transmembrane conductance regulator; plus strand). Cytogenetic location: 7q31.2.
Variant type: Deletion.
Coding change: c.2222_2229del on transcript NM_000492.4 (MANE Select); coding-DNA positions 2222 to 2229, 8 bases deleted (ATTCTGAG; older notation c.2222_2229delATTCTGAG).
Protein change: p.Asp741fs; shifts the reading frame from aspartic acid 741.
Molecular consequence: frameshift variant.
Genome position (GRCh38, 1-based): chr7:117,592,389-117,592,396, ATTCTGAG deleted; deleting any 8 consecutive bases within chr7:117,592,387-117,592,396 gives the same sequence; the c. name uses the placement nearest the transcript's 3' end. VCF-style (leftmost placement, unchanged base first): chr7-117592386-CAGATTCTG-C. GRCh37 (hg19) VCF-style: chr7-117232440-CAGATTCTG-C.
Other names: c.2222_2229delATTCTGAG (NM_000492.4); short protein forms D741fs.
Identifiers: ClinVar variation 3896059 (VCV003896059.1).